The following is an entry in ClinVar:

NM_203486.3(DLL3):c.1272dup (p.Asp425fs)

Genes: DLL3 (delta like canonical Notch ligand 3; plus strand), LOC130064418 (ATAC-STARR-seq lymphoblastoid silent region 10609; plus strand). Cytogenetic location: 19q13.2.
Variant type: Duplication.
Coding change: c.1272dup on transcript NM_203486.3 (MANE Select); coding-DNA position 1272, one base duplicated (C; older notation c.1272dupC).
Protein change: p.Asp425fs; shifts the reading frame from aspartic acid 425.
Molecular consequence: frameshift variant.
Genome position (GRCh38, 1-based): chr19:39,507,217, C duplicated. VCF-style (leftmost placement, unchanged base first): chr19-39507216-G-GC. GRCh37 (hg19) VCF-style: chr19-39997856-G-GC.
Other names: c.1272dup, p.Asp425fs (NM_016941.4); short protein forms D425fs.
Identifiers: ClinVar variation 2572236 (VCV002572236.1), dbSNP rs1261285510, ClinGen allele CA882154520.
Genomic context (GRCh38, chr19:39,507,216, plus strand): 5'-GCACGTGTGTGGAGGGCGGCGGCGCGCACCGCTGCTCCTGCGCGCTGGGCTTCGGCGGCC[G>GC]CGACTGCCGCGAGCGCGCGGACCCGTGCGCCGCGCGCCCCTGTGCTCACGGCGGCCGCTG-3'

ClinVar aggregate classification (germline): Likely pathogenic (1 of 4 stars; one submission).

Conditions:
Spondylocostal dysostosis 1, autosomal recessive (SCDO1). Also called: DLL3-Related Spondylocostal Dysostosis, Autosomal Recessive. Identifiers: Orphanet 2311, MedGen CN032975, MONDO:0020692, OMIM 277300.

Allele frequency attached by ClinVar (database versions not stated): TOPMed 0.00002.

Submission:

Greenwood Genetic Center Diagnostic Laboratories, Greenwood Genetic Center
Classification: Likely pathogenic for Spondylocostal dysostosis 1, autosomal recessive. Last evaluated: 2023-05-23. Review status: criteria provided, single submitter. Criteria: ACMG Guidelines, 2015. Collection method: clinical testing. Allele origin: germline. Affected: yes.
Comment: PVS1, PM2